The following is an entry in ClinVar:

ClinVar aggregate classification (germline): Likely benign (1 of 4 stars; one submission).

Conditions:
Catecholaminergic polymorphic ventricular tachycardia (CVPT). Also called: Catecholamine-induced polymorphic ventricular tachycardia. Identifiers: Orphanet 3286, MedGen C5574922, MONDO:0017990.

Submission:

All of Us Research Program, National Institutes of Health
Classification: Likely benign for Catecholaminergic polymorphic ventricular tachycardia. Last evaluated: 2023-05-04. Review status: criteria provided, single submitter. Criteria: ACMG Guidelines, 2015. Collection method: clinical testing. Allele origin: germline. Inheritance: Autosomal dominant inheritance. Observed: 1 variant allele, 1 heterozygote.
Comment: This study involves interpretation of variants in research participants for the purpose of population health screening. Participant phenotype was not available at the time of variant classification. Additional details can be found in publication PMID: 35346344, PMCID: PMC8962531

NM_001035.3(RYR2):c.6675C>T (p.Ser2225=)

Gene: RYR2 (ryanodine receptor 2; plus strand). Cytogenetic location: 1q43.
Variant type: single nucleotide variant.
Coding change: c.6675C>T on transcript NM_001035.3 (MANE Select); coding-DNA position 6675, C replaced by T.
Protein change: p.Ser2225=; no amino-acid change (serine 2225 retained).
Molecular consequence: synonymous variant.
Genome position (GRCh38, 1-based): chr1:237,633,697, C>T. VCF-style: chr1-237633697-C-T. GRCh37 (hg19) VCF-style: chr1-237796997-C-T.
Identifiers: ClinVar variation 3070902 (VCV003070902.1), dbSNP rs2546927136, ClinGen allele CA423818307.